The following is an entry in ClinVar:

NM_206933.4(USH2A):c.3945T>C (p.Asn1315=)

Genes: USH2A (usherin; minus strand), USH2A-AS1 (USH2A antisense RNA 1; plus strand). Cytogenetic location: 1q41.
Variant type: single nucleotide variant.
Coding change: c.3945T>C on transcript NM_206933.4 (MANE Select); coding-DNA position 3945, T replaced by C.
Protein change: p.Asn1315=; no amino-acid change (asparagine 1315 retained).
Molecular consequence: synonymous variant.
Genome position (GRCh38, 1-based): chr1:216,198,451, A>G on the plus strand (T>C on the coding strand, the complement: USH2A is on the minus strand). VCF-style: chr1-216198451-A-G. GRCh37 (hg19) VCF-style: chr1-216371793-A-G.
Other names: p.N1315N:AAT>AAC; p.Asn1315=; c.3945T>C, p.Asn1315= (NM_007123.6).
Identifiers: ClinVar variation 48510 (VCV000048510.39), dbSNP rs41303257, ClinGen allele CA143474.

ClinVar aggregate classification (germline): Benign/Likely benign. Review status: criteria provided, multiple submitters, no conflicts (2 of 4 stars). 14 submissions from 13 submitters: Benign (10); Likely benign (1). 3 of the submissions do not count toward it. Last evaluated 2026-02-04.

Conditions:
Retinitis pigmentosa (RP). Identifiers: Orphanet 791, MedGen C0035334, MeSH D012174, MONDO:0019200, OMIM 268000. Inheritance: Autosomal dominant, autosomal recessive and X linked inheritance.
Usher syndrome type 2A. Also called: USHER SYNDROME, TYPE IIA; RETINAL DISEASE IN USHER SYNDROME TYPE IIA, MODIFIER OF. Identifiers: Orphanet 231178, Orphanet 886, MedGen C1848634, MONDO:0010169, OMIM 276901.

Allele frequency attached by ClinVar (database versions not stated): 1000 Genomes Project 30x 0.00921; 1000 Genomes Project 0.01058; gnomAD 0.01136 and 0.01166; gnomAD exomes 0.01485 and 0.01404; TOPMed 0.01178; ESP Exome Variant Server 0.01253; ExAC 0.01457.
gnomAD v4.1: 23,504 of 1,614,006 alleles (1.5%); highest among the groups gnomAD compares: Middle Eastern, 3.1%; 213 homozygotes.

Submissions (14):

Labcorp Genetics (formerly Invitae), Labcorp
Classification: Benign. Last evaluated: 2026-02-04. Review status: criteria provided, single submitter. Criteria: Invitae Variant Classification Sherloc (09022015). Collection method: clinical testing. Allele origin: germline.

Blueprint Genetics
Classification: Likely benign. Last evaluated: 2024-11-26. Review status: criteria provided, single submitter. Criteria: ACMG Guidelines, 2015. Collection method: clinical testing. Allele origin: germline.

ARUP Laboratories, Molecular Genetics and Genomics, ARUP Laboratories
Classification: Benign. Last evaluated: 2023-11-01. Review status: criteria provided, single submitter. Criteria: ARUP Molecular Germline Variant Investigation Process 2024. Collection method: clinical testing. Allele origin: germline.

Genome-Nilou Lab
Classification: Benign for Usher syndrome type 2A. Last evaluated: 2021-07-01. Review status: criteria provided, single submitter. Criteria: ACMG Guidelines, 2015. Collection method: clinical testing. Allele origin: germline. Affected: no.

Mayo Clinic Laboratories, Mayo Clinic
Classification: Benign. Last evaluated: 2021-03-29. Review status: criteria provided, single submitter. Criteria: ACMG Guidelines, 2015. Collection method: clinical testing. Allele origin: germline. Observed: 7 variant alleles.

Athena Diagnostics
Classification: Benign. Last evaluated: 2019-01-23. Review status: criteria provided, single submitter. Criteria: Athena Diagnostics Criteria. Collection method: clinical testing. Allele origin: germline.

Illumina Laboratory Services, Illumina
Classification: Benign for Retinitis pigmentosa. Last evaluated: 2017-04-27. Review status: criteria provided, single submitter. Criteria: ICSL Variant Classification Criteria 13 December 2019. Collection method: clinical testing. Allele origin: germline.
Comment: This variant was observed as part of a predisposition screen in an ostensibly healthy population. A literature search was performed for the gene, cDNA change, and amino acid change (where applicable). No publications were found based on this search. Allele frequency data from public databases was too high to be consistent with this variant causing disease. Therefore, this variant is classified as benign.

Illumina Laboratory Services, Illumina
Classification: Benign for Usher syndrome type 2A. Last evaluated: 2017-04-27. Review status: criteria provided, single submitter. Criteria: ICSL Variant Classification Criteria 13 December 2019. Collection method: clinical testing. Allele origin: germline.
Comment: This variant was observed as part of a predisposition screen in an ostensibly healthy population. A literature search was performed for the gene, cDNA change, and amino acid change (where applicable). Publications were found based on this search. The evidence from the literature, in combination with allele frequency data from public databases where available, was sufficient to rule this variant out of causing disease. Therefore, this variant is classified as benign.

GeneDx
Classification: Benign. Last evaluated: 2011-08-02. Review status: criteria provided, single submitter. Criteria: GeneDx Variant Classification (06012015). Collection method: clinical testing. Allele origin: germline. Affected: yes.
Comment: This variant is considered likely benign or benign based on one or more of the following criteria: it is a conservative change, it occurs at a poorly conserved position in the protein, it is predicted to be benign by multiple in silico algorithms, and/or has population frequency not consistent with disease.

Laboratory for Molecular Medicine, Mass General Brigham Personalized Medicine
Classification: Benign. Last evaluated: 2010-10-06. Review status: criteria provided, single submitter. Criteria: LMM Criteria. Collection method: clinical testing. Allele origin: germline. Observed: 51 variant alleles.
Comment: Asn1315Asn in exon 18 of USH2A: This variant is not expected to have clinical si gnificance because it does not alter an amino acid residue, is not located near a splice junction and is found at an equal frequency in probands and controls (W eston 2000, Leroy 2001, Pennings 2004).

Breakthrough Genomics
Classification: Benign. Review status: criteria provided, single submitter. Criteria: ACMG Guidelines, 2015. Collection method: not provided. Allele origin: germline. Inheritance: Autosomal recessive inheritance. Affected: yes.

Natera, Inc.
Classification: Benign for Usher syndrome type 2A. Last evaluated: 2020-09-16. Review status: no assertion criteria provided. Collection method: clinical testing. Allele origin: germline. Not counted in ClinVar's aggregate classification.

Clinical Genetics DNA and cytogenetics Diagnostics Lab, Erasmus MC, Erasmus Medical Center
Classification: Likely benign. Review status: no assertion criteria provided. Collection method: clinical testing. Allele origin: germline. Affected: yes. Study: VKGL Data-share Consensus. Not counted in ClinVar's aggregate classification.

Joint Genome Diagnostic Labs from Nijmegen and Maastricht, Radboudumc and MUMC+
Classification: Benign. Review status: no assertion criteria provided. Collection method: clinical testing. Allele origin: germline. Affected: yes. Study: VKGL Data-share Consensus. Not counted in ClinVar's aggregate classification.

Literature cited by the submitters: PubMed 22135276 (cited by Athena Diagnostics); PubMed 15241801 (cited by 3 submitters); PubMed 11311042 (cited by 3 submitters); PubMed 22004887 (cited by Illumina Laboratory Services, Illumina); PubMed 10729113 (cited by Laboratory for Molecular Medicine, Mass General Brigham Personalized Medicine).